The following is an entry in ClinVar:

NM_004706.4(ARHGEF1):c.685C>A (p.Leu229Ile)

Gene: ARHGEF1 (Rho guanine nucleotide exchange factor 1; plus strand). Cytogenetic location: 19q13.2.
Variant type: single nucleotide variant.
Coding change: c.685C>A on transcript NM_004706.4 (MANE Select); coding-DNA position 685, C replaced by A.
Protein change: p.Leu229Ile; replaces leucine 229 with isoleucine.
Molecular consequence: missense variant. On other transcripts: non-coding transcript variant (2).
Genome position (GRCh38, 1-based): chr19:41,894,247, C>A. VCF-style: chr19-41894247-C-A. GRCh37 (hg19) VCF-style: chr19-42398320-C-A.
Other names: c.685C>A, p.Leu229Ile (NM_001396000.1, NM_001396003.1, NM_001396006.1); c.586C>A, p.Leu196Ile (NM_001396002.1, NM_001396004.1, NM_198977.2); c.730C>A, p.Leu244Ile (NM_199002.2); short protein forms L229I, L196I, L244I.
Identifiers: ClinVar variation 3649713 (VCV003649713.2).
Genomic context (GRCh38, chr19:41,894,247, plus strand): 5'-TCACTGTCCCTTCCCTACAGTGCTGCCGTGGTCAACGCCATTGGCCTGTACATGCGCCAC[C>A]TTGGGGTGCGGACCAAGAGTGGAGACAAGAAGTCGGGGAGGAACTTCTTCCGGAAAAAGG-3'
Protein context (NP_004697.2, residues 219-239): VNAIGLYMRH[Leu229Ile]GVRTKSGDKK

ClinVar aggregate classification (germline): Uncertain significance (1 of 4 stars; one submission).

Submission:

Labcorp Genetics (formerly Invitae), Labcorp
Classification: Uncertain significance. Last evaluated: 2025-01-06. Review status: criteria provided, single submitter. Criteria: Invitae Variant Classification Sherloc (09022015). Collection method: clinical testing. Allele origin: germline.
Comment: This sequence change replaces leucine, which is neutral and non-polar, with isoleucine, which is neutral and non-polar, at codon 244 of the ARHGEF1 protein (p.Leu244Ile). The frequency data for this variant in the population databases is considered unreliable, as metrics indicate poor data quality at this position in the gnomAD database. This variant has not been reported in the literature in individuals affected with ARHGEF1-related conditions. An algorithm developed to predict the effect of missense changes on protein structure and function (PolyPhen-2) suggests that this variant is likely to be disruptive. In summary, the available evidence is currently insufficient to determine the role of this variant in disease. Therefore, it has been classified as a Variant of Uncertain Significance.